The following is an entry in ClinVar:

ClinVar aggregate classification (germline): Pathogenic (1 of 4 stars; one submission).

Conditions:
Dystonia 12 (DYT12). Also called: DYT-ATP1A3; Rapid-Onset Dystonia-Parkinsonism (RDP). Identifiers: Orphanet 71517, MedGen C1868681, MONDO:0007496, OMIM 128235.

Submission:

Labcorp Genetics (formerly Invitae), Labcorp
Classification: Pathogenic for Dystonia 12. Last evaluated: 2023-11-27. Review status: criteria provided, single submitter. Criteria: Invitae Variant Classification Sherloc (09022015). Collection method: clinical testing. Allele origin: germline.
Comment: This sequence change creates a premature translational stop signal (p.Val885Argfs*3) in the ATP1A3 gene. It is expected to result in an absent or disrupted protein product. Loss-of-function variants in ATP1A3 are known to be pathogenic (PMID: 24631656, 24983657). This variant is not present in population databases (gnomAD no frequency). This variant has not been reported in the literature in individuals affected with ATP1A3-related conditions. ClinVar contains an entry for this variant (Variation ID: 1414742). For these reasons, this variant has been classified as Pathogenic.

Literature cited by the submitters: PubMed 24631656; PubMed 24983657.

NM_152296.5(ATP1A3):c.2652dup (p.Val885fs)

Gene: ATP1A3 (ATPase Na+/K+ transporting subunit alpha 3; minus strand). Cytogenetic location: 19q13.2.
Variant type: Duplication.
Coding change: c.2652dup on transcript NM_152296.5 (MANE Select); coding-DNA position 2652, one base duplicated (C; older notation c.2652dupC).
Protein change: p.Val885fs; shifts the reading frame from valine 885.
Molecular consequence: frameshift variant.
Genome position (GRCh38, 1-based): chr19:41,969,471, G duplicated on the plus strand (C on the coding strand, the reverse complement: ATP1A3 is on the minus strand); the first of 2 consecutive G bases (chr19:41,969,471-41,969,472); duplicating either gives the same sequence. VCF-style (leftmost placement, unchanged base first): chr19-41969470-C-CG. GRCh37 (hg19) VCF-style: chr19-42473622-C-CG.
Other names: c.2685dup, p.Val896fs (NM_001256213.2); c.2691dup, p.Val898fs (NM_001256214.2); short protein forms V898fs, V885fs, V896fs.
Identifiers: ClinVar variation 1414742 (VCV001414742.6), dbSNP rs2145945849, ClinGen allele CA2573156413.